The following is an entry in ClinVar:

ClinVar aggregate classification (germline): Uncertain significance (1 of 4 stars; one submission).

Submission:

CeGaT Center for Human Genetics Tuebingen
Classification: Uncertain significance. Last evaluated: 2024-01-01. Review status: criteria provided, single submitter. Criteria: CeGaT Center For Human Genetics Tuebingen Variant Classification Criteria Version 2. Collection method: clinical testing. Allele origin: germline. Affected: yes. Observed: 1 variant allele.
Comment: SYNE1: PM2:Supporting, BP4

NM_182961.4(SYNE1):c.14832G>A (p.Leu4944=)

Gene: SYNE1 (spectrin repeat containing nuclear envelope protein 1; minus strand). Cytogenetic location: 6q25.2.
Variant type: single nucleotide variant.
Coding change: c.14832G>A on transcript NM_182961.4 (MANE Select); coding-DNA position 14832, G replaced by A.
Protein change: p.Leu4944=; no amino-acid change (leucine 4944 retained).
Molecular consequence: synonymous variant.
Genome position (GRCh38, 1-based): chr6:152,329,853, C>T on the plus strand (G>A on the coding strand, the complement: SYNE1 is on the minus strand). VCF-style: chr6-152329853-C-T. GRCh37 (hg19) VCF-style: chr6-152650988-C-T.
Other names: c.14619G>A, p.Leu4873= (NM_033071.5).
Identifiers: ClinVar variation 3026755 (VCV003026755.22), dbSNP rs2485085215, ClinGen allele CA452970536.